The following is an entry in ClinVar:

NM_001330078.2(NRXN1):c.3907A>G (p.Asn1303Asp)

Gene: NRXN1 (neurexin 1; minus strand). Cytogenetic location: 2p16.3.
Variant type: single nucleotide variant.
Coding change: c.3907A>G on transcript NM_001330078.2 (MANE Select); coding-DNA position 3907, A replaced by G.
Protein change: p.Asn1303Asp; replaces asparagine 1303 with aspartic acid.
Molecular consequence: missense variant.
Genome position (GRCh38, 1-based): chr2:50,053,492, T>C on the plus strand (A>G on the coding strand, the complement: NRXN1 is on the minus strand). VCF-style: chr2-50053492-T-C. GRCh37 (hg19) VCF-style: chr2-50280630-T-C.
Other names: c.4027A>G, p.Asn1343Asp (NM_001135659.3); c.3883A>G, p.Asn1295Asp (NM_001330077.2, NM_001330082.2); c.3751A>G, p.Asn1251Asp (NM_001330083.2); c.3841A>G, p.Asn1281Asp (NM_001330084.2); c.3880A>G, p.Asn1294Asp (NM_001330085.2); c.3907A>G, p.Asn1303Asp (NM_001330086.2); c.3706A>G, p.Asn1236Asp (NM_001330087.2, NM_001330096.2); c.3736A>G, p.Asn1246Asp (NM_001330088.2); and 6 more; short protein forms N1236D, N1251D, N1294D, N1343D, N1302D, N1303D, N268D, N1273D.
Identifiers: ClinVar variation 2886736 (VCV002886736.3), dbSNP rs2467636431, ClinGen allele CA346819793.

ClinVar aggregate classification (germline): Uncertain significance (1 of 4 stars; one submission).

Conditions:
Pitt-Hopkins-like syndrome 2 (PTHSL2). Identifiers: Orphanet 221150, Orphanet 600663, MedGen C3280479, MONDO:0013690, OMIM 614325.

Submission:

Labcorp Genetics (formerly Invitae), Labcorp
Classification: Uncertain significance for Pitt-Hopkins-like syndrome 2. Last evaluated: 2024-02-01. Review status: criteria provided, single submitter. Criteria: Invitae Variant Classification Sherloc (09022015). Collection method: clinical testing. Allele origin: germline.
Comment: This sequence change replaces asparagine, which is neutral and polar, with aspartic acid, which is acidic and polar, at codon 1343 of the NRXN1 protein (p.Asn1343Asp). This variant is not present in population databases (gnomAD no frequency). This variant has not been reported in the literature in individuals affected with NRXN1-related conditions. Advanced modeling of protein sequence and biophysical properties (such as structural, functional, and spatial information, amino acid conservation, physicochemical variation, residue mobility, and thermodynamic stability) performed at Invitae indicates that this missense variant is not expected to disrupt NRXN1 protein function with a negative predictive value of 80%. In summary, the available evidence is currently insufficient to determine the role of this variant in disease. Therefore, it has been classified as a Variant of Uncertain Significance.